The following is an entry in ClinVar:

NM_017570.5(OPLAH):c.3036C>T (p.Asp1012=)

Gene: OPLAH (5-oxoprolinase, ATP-hydrolysing; minus strand). Cytogenetic location: 8q24.3.
Variant type: single nucleotide variant.
Coding change: c.3036C>T on transcript NM_017570.5 (MANE Select); coding-DNA position 3036, C replaced by T.
Protein change: p.Asp1012=; no amino-acid change (aspartic acid 1012 retained).
Molecular consequence: synonymous variant.
Genome position (GRCh38, 1-based): chr8:144,052,883, G>A on the plus strand (C>T on the coding strand, the complement: OPLAH is on the minus strand). VCF-style: chr8-144052883-G-A. GRCh37 (hg19) VCF-style: chr8-145107786-G-A.
Identifiers: ClinVar variation 2018344 (VCV002018344.4), dbSNP rs782519266, ClinGen allele CA463538805.
Genomic context (GRCh38, chr8:144,052,883, plus strand): 5'-CAGGGTTACGGCCCGCGGTGCGTTGAGATTACCAAACACCTCCGGCCCAGTGCCGCTGAA[G>A]TCAAACACGGCGCTGCCCTGCGCGCCCCGAGGGAAGGGAGAGGCTGTCAGCGGCCGCACC-3'
Protein context (NP_060040.1, residues 1002-1022): ISLSQGSAVF[Asp1012=]FSGTGPEVFG

ClinVar aggregate classification (germline): Uncertain significance (1 of 4 stars; one submission).

Conditions:
5-Oxoprolinase deficiency (OPLAHD). Also called: 5-OXOPROLINURIA DUE TO 5-OXOPROLINASE DEFICIENCY. Identifiers: Orphanet 33572, MedGen C0268525, MONDO:0009825, OMIM 260005, HP:0040142.

Submission:

Labcorp Genetics (formerly Invitae), Labcorp
Classification: Uncertain significance for 5-Oxoprolinase deficiency. Last evaluated: 2023-09-11. Review status: criteria provided, single submitter. Criteria: Invitae Variant Classification Sherloc (09022015). Collection method: clinical testing. Allele origin: germline.
Comment: In summary, the available evidence is currently insufficient to determine the role of this variant in disease. Therefore, it has been classified as a Variant of Uncertain Significance. Algorithms developed to predict the effect of sequence changes on RNA splicing suggest that this variant may create or strengthen a splice site. ClinVar contains an entry for this variant (Variation ID: 2018344). This variant has not been reported in the literature in individuals affected with OPLAH-related conditions. This variant is not present in population databases (gnomAD no frequency). This sequence change affects codon 1012 of the OPLAH mRNA. It is a 'silent' change, meaning that it does not change the encoded amino acid sequence of the OPLAH protein.